The following is an entry in ClinVar:

ClinVar aggregate classification (germline): Uncertain significance (1 of 4 stars; one submission).

Submission:

Labcorp Genetics (formerly Invitae), Labcorp
Classification: Uncertain significance. Last evaluated: 2025-08-18. Review status: criteria provided, single submitter. Criteria: Invitae Variant Classification Sherloc (09022015). Collection method: clinical testing. Allele origin: germline.
Comment: This variant, c.306_311dup, results in the insertion of 2 amino acid(s) of the LONP1 protein (p.Ala103_Gly104dup), but otherwise preserves the integrity of the reading frame. This variant is present in population databases (no rsID available, gnomAD 0.002%). This variant has not been reported in the literature in individuals affected with LONP1-related conditions. ClinVar contains an entry for this variant (Variation ID: 2419111). Experimental studies and prediction algorithms are not available or were not evaluated, and the functional significance of this variant is currently unknown. In summary, the available evidence is currently insufficient to determine the role of this variant in disease. Therefore, it has been classified as a Variant of Uncertain Significance.

NM_004793.4(LONP1):c.306_311dup (p.Gly104_Glu105insAlaGly)

Genes: LONP1 (lon peptidase 1, mitochondrial; minus strand), LOC130063270 (ATAC-STARR-seq lymphoblastoid silent region 9931; plus strand). Cytogenetic location: 19p13.3.
Variant type: Duplication.
Coding change: c.306_311dup on transcript NM_004793.4 (MANE Select); coding-DNA positions 306 to 311, 6 bases duplicated (CGCCGG; older notation c.306_311dupCGCCGG).
Protein change: p.Gly104_Glu105insAlaGly.
Molecular consequence: inframe insertion. On other transcripts: non-coding transcript variant (1), intron variant (2).
Genome position (GRCh38, 1-based): chr19:5,719,822-5,719,827, CCGGCG duplicated on the plus strand (CGCCGG on the coding strand, the reverse complement: LONP1 is on the minus strand); duplicating any 6 consecutive bases within chr19:5,719,822-5,719,829 gives the same sequence; the c. name uses the placement nearest the transcript's 3' end. VCF-style (leftmost placement, unchanged base first): chr19-5719821-C-CCCGGCG. GRCh37 (hg19) VCF-style: chr19-5719832-C-CCCGGCG.
Other names: c.-160+392_-160+397dup (NM_001276480.1); c.125-11_125-6dup (NM_001276479.2).
Identifiers: ClinVar variation 2419111 (VCV002419111.3), dbSNP rs1327221114, ClinGen allele CA631615460.
Genomic context (GRCh38, chr19:5,719,821, plus strand): 5'-CAGGTGCGGAAACACATCGGGGATCGTCATGGGCGTGAGCGCCGTTATGACCGGGCCTTC[C>CCCGGCG]CCGGCGCCCGCGCTGCCCCCCGCGCCGCCGGCTCCTTCCTCCGCGCCGCCCTCGGAGGCG-3'